The following is an entry in ClinVar:

ClinVar aggregate classification (germline): Uncertain significance (1 of 4 stars; one submission).

Conditions:
Neuropathy, hereditary sensory, type 1F. Also called: HSN IF; Hereditary sensory neuropathy type IF. Identifiers: Orphanet 36386, MedGen C3810194, MONDO:0014286, OMIM 615632.

Allele frequency attached by ClinVar (database versions not stated): gnomAD exomes below 0.00001; TOPMed below 0.00001.
gnomAD v4.1: 1 of 1,614,052 alleles (0.000062%); highest among the groups gnomAD compares: Non-Finnish European, 0.000085%; no homozygotes.

Submission:

Labcorp Genetics (formerly Invitae), Labcorp
Classification: Uncertain significance for Neuropathy, hereditary sensory, type 1F. Last evaluated: 2022-08-29. Review status: criteria provided, single submitter. Criteria: Invitae Variant Classification Sherloc (09022015). Collection method: clinical testing. Allele origin: germline.
Comment: In summary, the available evidence is currently insufficient to determine the role of this variant in disease. Therefore, it has been classified as a Variant of Uncertain Significance. Algorithms developed to predict the effect of missense changes on protein structure and function are either unavailable or do not agree on the potential impact of this missense change (SIFT: "Deleterious"; PolyPhen-2: "Probably Damaging"; Align-GVGD: "Class C15"). This variant has not been reported in the literature in individuals affected with ATL3-related conditions. This variant is present in population databases (no rsID available, gnomAD 0.0009%). This sequence change replaces aspartic acid, which is acidic and polar, with asparagine, which is neutral and polar, at codon 57 of the ATL3 protein (p.Asp57Asn).

NM_015459.5(ATL3):c.169G>A (p.Asp57Asn)

Gene: ATL3 (atlastin GTPase 3; minus strand). Cytogenetic location: 11q13.1.
Variant type: single nucleotide variant.
Coding change: c.169G>A on transcript NM_015459.5 (MANE Select); coding-DNA position 169, G replaced by A.
Protein change: p.Asp57Asn; replaces aspartic acid 57 with asparagine.
Molecular consequence: missense variant.
Genome position (GRCh38, 1-based): chr11:63,659,130, C>T on the plus strand (G>A on the coding strand, the complement: ATL3 is on the minus strand). VCF-style: chr11-63659130-C-T. GRCh37 (hg19) VCF-style: chr11-63426602-C-T.
Other names: c.115G>A, p.Asp39Asn (NM_001290048.2); short protein forms D39N, D57N.
Identifiers: ClinVar variation 1909452 (VCV001909452.5), dbSNP rs1201997467, ClinGen allele CA381030925.
Genomic context (GRCh38, chr11:63,659,130, plus strand): 5'-GAATGAAGGACTTGCCCTTTCGGAAGGCACCAGCCACTGAAACCACCACCACATCAAGAT[C>T]TCGGATGTGGTCCTGCAAGAGGATGCTGGCCAAGGCTTTCTCATCTAGCTCAAAGGAATG-3'
Protein context (NP_056274.3, residues 47-67): ASILLQDHIR[Asp57Asn]LDVVVVSVAG